The following is an entry in ClinVar:

NM_032578.4(MYPN):c.2299C>T (p.His767Tyr)

Gene: MYPN (myopalladin; plus strand). Cytogenetic location: 10q21.3.
Variant type: single nucleotide variant.
Coding change: c.2299C>T on transcript NM_032578.4 (MANE Select); coding-DNA position 2299, C replaced by T.
Protein change: p.His767Tyr; replaces histidine 767 with tyrosine.
Molecular consequence: missense variant. On other transcripts: non-coding transcript variant (2).
Genome position (GRCh38, 1-based): chr10:68,174,391, C>T. VCF-style: chr10-68174391-C-T. GRCh37 (hg19) VCF-style: chr10-69934148-C-T.
Other names: c.2299C>T, p.His767Tyr (NM_001256267.2); c.1417C>T, p.His473Tyr (NM_001256268.2); c.2299C>T (NM_032578.2); short protein forms H473Y, H767Y.
Identifiers: ClinVar variation 1422267 (VCV001422267.9), dbSNP rs2134200267, ClinGen allele CA376846126.
Genomic context (GRCh38, chr10:68,174,391, plus strand): 5'-TTGAGCAGCACTCCTCAAACTATTCAGAGGACAGTGAGCAAAGAAAGCCTCTTAGTGTCT[C>T]ACCCCTCTGTGCAAACCAAATCTCCAGGAGGGCTTTCCATCCAAAATGAGCCACTCCCAC-3'
Protein context (NP_115967.2, residues 757-777): TVSKESLLVS[His767Tyr]PSVQTKSPGG

ClinVar aggregate classification (germline): Uncertain significance. Review status: criteria provided, multiple submitters, no conflicts (2 of 4 stars). 2 submissions from 2 submitters: Uncertain significance (2). Last evaluated 2026-08-16.

Conditions:
Cardiovascular phenotype. Identifiers: MedGen CN230736.
Dilated cardiomyopathy 1KK (CMD1KK). Identifiers: Orphanet 154, Orphanet 75249, MedGen C3714995, MONDO:0014100, OMIM 615248.

Allele frequency attached by ClinVar (database versions not stated): gnomAD exomes below 0.00001.
gnomAD v4.1: 1 of 1,614,172 alleles (0.000062%); highest among the groups gnomAD compares: Non-Finnish European, 0.000085%; no homozygotes.

Submissions (2):

Ambry Genetics
Classification: Uncertain significance for Cardiovascular phenotype. Last evaluated: 2026-08-16. Review status: criteria provided, single submitter. Criteria: Ambry Variant Classification Scheme 2023. Collection method: clinical testing. Allele origin: germline.
Comment: The p.H767Y variant (also known as c.2299C>T), located in coding exon 10 of the MYPN gene, results from a C to T substitution at nucleotide position 2299. The histidine at codon 767 is replaced by tyrosine, an amino acid with similar properties. This amino acid position is conserved. In addition, this alteration is predicted to be tolerated by in silico analysis. Based on the available evidence, the clinical significance of this variant remains unclear.

Labcorp Genetics (formerly Invitae), Labcorp
Classification: Uncertain significance for Dilated cardiomyopathy 1KK. Last evaluated: 2022-07-06. Review status: criteria provided, single submitter. Criteria: Invitae Variant Classification Sherloc (09022015). Collection method: clinical testing. Allele origin: germline.
Comment: This variant has not been reported in the literature in individuals affected with MYPN-related conditions. This variant is not present in population databases (gnomAD no frequency). This sequence change replaces histidine, which is basic and polar, with tyrosine, which is neutral and polar, at codon 767 of the MYPN protein (p.His767Tyr). ClinVar contains an entry for this variant (Variation ID: 1422267). In summary, the available evidence is currently insufficient to determine the role of this variant in disease. Therefore, it has been classified as a Variant of Uncertain Significance. Algorithms developed to predict the effect of missense changes on protein structure and function (SIFT, PolyPhen-2, Align-GVGD) all suggest that this variant is likely to be tolerated.